The following is an entry in ClinVar:

NM_198994.3(TGM6):c.850+5C>G

Gene: TGM6 (transglutaminase 6; plus strand). Cytogenetic location: 20p13.
Variant type: single nucleotide variant.
Coding change: c.850+5C>G on transcript NM_198994.3 (MANE Select); 5 bases into the intron after coding-DNA position 850, C replaced by G.
Molecular consequence: intron variant.
Genome position (GRCh38, 1-based): chr20:2,399,743, C>G. VCF-style: chr20-2399743-C-G. GRCh37 (hg19) VCF-style: chr20-2380389-C-G.
Other names: c.850+5C>G (NM_001254734.2).
Identifiers: ClinVar variation 388227 (VCV000388227.1), dbSNP rs752476956, ClinGen allele CA16609033.

ClinVar aggregate classification (germline): Likely benign (1 of 4 stars; one submission).

Submission:

GeneDx
Classification: Likely benign. Last evaluated: 2016-08-05. Review status: criteria provided, single submitter. Criteria: GeneDx Variant Classification (06012015). Collection method: clinical testing. Allele origin: germline. Affected: yes.
Comment: This variant is considered likely benign or benign based on one or more of the following criteria: it is a conservative change, it occurs at a poorly conserved position in the protein, it is predicted to be benign by multiple in silico algorithms, and/or has population frequency not consistent with disease.